The following is an entry in ClinVar:

NM_000132.4(F8):c.1172G>A (p.Arg391His)

Gene: F8 (coagulation factor VIII; minus strand). Cytogenetic location: Xq28.
Variant type: single nucleotide variant.
Coding change: c.1172G>A on transcript NM_000132.4 (MANE Select); coding-DNA position 1172, G replaced by A.
Protein change: p.Arg391His; replaces arginine 391 with histidine.
Molecular consequence: missense variant.
Genome position (GRCh38, 1-based): chrX:154,966,525, C>T on the plus strand (G>A on the coding strand, the complement: F8 is on the minus strand). VCF-style: chrX-154966525-C-T. GRCh37 (hg19) VCF-style: chrX-154194800-C-T.
Other names: F8, ARG372HIS; R372H; short protein forms R391H.
Identifiers: ClinVar variation 10111 (VCV000010111.17), dbSNP rs28935499, ClinGen allele CA120918.
Genomic context (GRCh38, chrX:154,966,525, plus strand): 5'-TCCTCCTCTTCAGCAGCAATGTAATGTACCCAAGTTTTAGGATGCTTCTTGGCAACTGAG[C>T]GAATTTGGATAAAGGAAGGAGAGTTGTCATCATCAAACCTGACCACATCCATTTCAGAAT-3'
Protein context (NP_000123.1, residues 381-401): DDNSPSFIQI[Arg391His]SVAKKHPKTW

ClinVar aggregate classification (germline): Pathogenic. Review status: criteria provided, multiple submitters, no conflicts (2 of 4 stars). 7 submissions from 7 submitters: Pathogenic (6). 1 of the submissions does not count toward it. Last evaluated 2026-08-06.

Conditions:
F8-related disorder. Also called: F8-related condition.
Factor VIII deficiency. Identifiers: MedGen C3494187, OMIM 134500.
Hereditary factor IX deficiency disease (HEMB). Also called: Hemophilia B; PLASMA THROMBOPLASTIN COMPONENT DEFICIENCY; F9 DEFICIENCY; FACTOR IX DEFICIENCY; Christmas Disease. Identifiers: Orphanet 98879, MedGen C0008533, MeSH D002836, MONDO:0010604, OMIM 306900.
FACTOR VIII (OKAYAMA).
Hereditary factor VIII deficiency disease (HEMA). Also called: AUTOSOMAL HEMOPHILIA A; Hemophilia A, congenital; HEM A; Factor 8 deficiency, congenital; Hemophilia A; HEMOPHILIA, CLASSIC. Identifiers: Orphanet 98878, MedGen C0019069, MONDO:0010602, OMIM 306700.

Submissions (7):

PreventionGenetics, part of Exact Sciences
Classification: Pathogenic for F8-related condition. Last evaluated: 2026-08-06. Review status: criteria provided, single submitter. Criteria: ACMG Guidelines, 2015. Collection method: clinical testing. Allele origin: germline.
Comment: The F8 c.1172G>A variant is predicted to result in the amino acid substitution p.Arg391His. This variant, alternatively referred to as p.Arg372His using legacy nomenclature, has been reported in multiple individuals with hemophilia A (Arai et al. 1989. PubMed ID: 2498882; Supp Table, Downes et al. 2019. PubMed ID: 31064749; Table S1, Kang et al. 2020. PubMed ID: 32897612; Grigore et al. 2024. PubMed ID: 39125936). Functional studies show that this mutation prevents thrombin cleavage and severely reduces procoagulant activity (Arai et al. 1989. PubMed ID: 2498882; Nogami et al. 2005. PubMed ID: 15705787). This variant has not been reported in a large population database (gnomAD), indicating this variant is rare. Alternate missense changes at the same amino acid position (p.Arg391Gly, p.Arg391Cys, p.Arg391Pro, p.Arg391Leu) have also been reported in individuals affected with hemophilia A (Bicocchi et al. 2005. PubMed ID: 15741993; Shima et al. 1989. PubMed ID: 2506948; Azadmehr et al. 2022. PubMed ID: 35014236; Johnsen et al. 2022. PubMed ID: 35770352). Taken together, the c.1172G>A p.Arg391His variant is interpreted as pathogenic.

North West Genomic Laboratory Hub, Manchester University NHS Foundation Trust
Classification: Pathogenic for Factor VIII deficiency. Last evaluated: 2024-08-15. Review status: criteria provided, single submitter. Criteria: ACGS Best Practice Guidelines for Variant Classification in Rare Disease 2020. Collection method: clinical testing. Allele origin: germline. Affected: yes.
Comment: PP4_Str PS4_Mod PP3_Supp PM5_Mod PM2_Mod

GeneDx
Classification: Pathogenic. Last evaluated: 2024-06-11. Review status: criteria provided, single submitter. Criteria: GeneDx Variant Classification Process June 2021. Collection method: clinical testing. Allele origin: germline. Affected: yes.
Comment: Not observed at significant frequency in large population cohorts (gnomAD); In silico analysis supports that this missense variant has a deleterious effect on protein structure/function; Also known as p.(R372H); This variant is associated with the following publications: (PMID: 33245802, 33706050, 32897612, 33760382, 34844950, 28056528, 33314404, 17901109, 21883705, 17610560, 31829478, 25955082, 19302446, 32384547, 32232366, 36696222, 8449505, 18691168, 18565236, 16972227, 12871415, 9886318, 1349567, 1973901, 19473423, 2498882, 32166871, 12325022, 16128892, 29296726, 18387975, 31064749, 38068488, 15705787, 23711237)

Genetics and Molecular Pathology, SA Pathology
Classification: Pathogenic for Hereditary factor VIII deficiency disease. Last evaluated: 2019-11-05. Review status: criteria provided, single submitter. Criteria: ACMG Guidelines, 2015. Collection method: clinical testing. Allele origin: germline. Inheritance: X-linked recessive inheritance.

ARUP Laboratories, Molecular Genetics and Genomics, ARUP Laboratories
Classification: Pathogenic for Hereditary factor VIII deficiency disease. Last evaluated: 2019-04-16. Review status: criteria provided, single submitter. Criteria: ARUP Molecular Germline Variant Investigation Process. Collection method: clinical testing. Allele origin: germline.
Comment: The F8 c.1172G>A; p.Arg391His variant (rs28935499), also known as p.Arg372His for legacy nomenclature, has been described in several individuals affected with hemophilia A (see link to factor VIII database and references therein). It is reported in Clinvar (Variation ID: 10111) and is absent from the general population databases (1000 Genomes Project, Exome Variant Server, and Genome Aggregation Database), indicating it is not a common polymorphism. The arginine at codon 391 is conserved across species and computational algorithms (PolyPhen-2, SIFT) predict this variant to be deleterious. In vitro functional studies of this variant protein demonstrate a significant reduction in thrombin-catalyzed activation and function (Nogami 2005). Additionally, other variants at this codon (p.Arg391Pro, p.Arg391Leu) have been observed in individuals affected with hemophilia A and are considered pathogenic (see link to factor VIII database and references therein). Based on available information, this variant is considered pathogenic. References: Link to Factor 8 database: Nogami K et al. Thrombin-catalyzed activation of factor VIII with His substituted for Arg372 at the P1 site. Blood. 2005;105(11):4362-8.

NIHR Bioresource Rare Diseases, University of Cambridge
Classification: Pathogenic for Hereditary factor IX deficiency disease. Last evaluated: 2019-02-01. Review status: criteria provided, single submitter. Criteria: ACMG Guidelines, 2015. Collection method: research. Allele origin: unknown. Affected: yes. Observed: 1 hemizygote. Study: ThromboGenomics.

OMIM
Classification: Pathogenic for FACTOR VIII (OKAYAMA). Last evaluated: 1989-10-01. Review status: no assertion criteria provided. Collection method: literature only. Allele origin: germline. Not counted in ClinVar's aggregate classification.

Literature cited by the submitters: PubMed 31064749 (cited by NIHR Bioresource Rare Diseases, University of Cambridge); PubMed 2498882 (cited by OMIM); PubMed 2506948 (cited by OMIM).